The following is an entry in ClinVar:

NM_005228.5(EGFR):c.1553C>G (p.Pro518Arg)

Gene: EGFR (epidermal growth factor receptor; plus strand). Cytogenetic location: 7p11.2.
Variant type: single nucleotide variant.
Coding change: c.1553C>G on transcript NM_005228.5 (MANE Select); coding-DNA position 1553, C replaced by G.
Protein change: p.Pro518Arg; replaces proline 518 with arginine.
Molecular consequence: missense variant.
Genome position (GRCh38, 1-based): chr7:55,161,553, C>G. VCF-style: chr7-55161553-C-G. GRCh37 (hg19) VCF-style: chr7-55229246-C-G.
Other names: c.1418C>G, p.Pro473Arg (NM_001346897.2, NM_001346899.2); c.1553C>G, p.Pro518Arg (NM_001346898.2, NM_201282.2, NM_201284.2); c.1394C>G, p.Pro465Arg (NM_001346900.2); c.752C>G, p.Pro251Arg (NM_001346941.2); short protein forms P251R, P473R, P465R, P518R.
Identifiers: ClinVar variation 1362414 (VCV001362414.8), dbSNP rs564398642, ClinGen allele CA367579881.

ClinVar aggregate classification (germline): Uncertain significance (1 of 4 stars; one submission).

Conditions:
EGFR-related lung cancer (EGFR). Identifiers: MedGen CN130014.

gnomAD v4.1: 5 of 1,614,256 alleles (0.00031%); highest among the groups gnomAD compares: Non-Finnish European, 0.00042%; no homozygotes.

Submission:

Labcorp Genetics (formerly Invitae), Labcorp
Classification: Uncertain significance for EGFR-related lung cancer. Last evaluated: 2021-01-04. Review status: criteria provided, single submitter. Criteria: Invitae Variant Classification Sherloc (09022015). Collection method: clinical testing. Allele origin: germline.
Comment: This variant is not present in population databases (ExAC no frequency). In summary, the available evidence is currently insufficient to determine the role of this variant in disease. Therefore, it has been classified as a Variant of Uncertain Significance. Algorithms developed to predict the effect of missense changes on protein structure and function are either unavailable or do not agree on the potential impact of this missense change (SIFT: "Tolerated"; PolyPhen-2: "Probably Damaging"; Align-GVGD: "Class C0"). This variant has not been reported in the literature in individuals with EGFR-related conditions. This sequence change replaces proline with arginine at codon 518 of the EGFR protein (p.Pro518Arg). The proline residue is moderately conserved and there is a moderate physicochemical difference between proline and arginine.